The following is an entry in ClinVar:

ClinVar aggregate classification (germline): Conflicting classifications of pathogenicity. Review status: criteria provided, conflicting classifications (1 of 4 stars). 2 submissions from 2 submitters: Uncertain significance (1); Likely benign (1). Last evaluated 2026-03-31.

Conditions:
Cardiovascular phenotype. Identifiers: MedGen CN230736.
ABCG5-related disorder. Also called: ABCG5-related condition.

gnomAD v4.1: 2 of 1,614,056 alleles (0.00012%); highest among the groups gnomAD compares: Non-Finnish European, 0.00017%; no homozygotes.

Submissions (2):

Ambry Genetics
Classification: Likely benign for Cardiovascular phenotype. Last evaluated: 2026-03-31. Review status: criteria provided, single submitter. Criteria: Ambry Variant Classification Scheme 2023. Collection method: clinical testing. Allele origin: germline.

PreventionGenetics, part of Exact Sciences
Classification: Uncertain significance for ABCG5-related condition. Last evaluated: 2024-11-02. Review status: criteria provided, single submitter. Criteria: ACMG Guidelines, 2015. Collection method: clinical testing. Allele origin: germline.
Comment: The ABCG5 c.969G>T variant is predicted to result in the amino acid substitution p.Gln323His. To our knowledge, this variant has not been reported in the literature. This variant is reported in 0.00088% of alleles in individuals of European (Non-Finnish) descent in gnomAD. At this time, the clinical significance of this variant is uncertain due to the absence of conclusive functional and genetic evidence.

NM_022436.3(ABCG5):c.969G>T (p.Gln323His)

Genes: ABCG5 (ATP binding cassette subfamily G member 5; minus strand), DYNC2LI1 (dynein cytoplasmic 2 light intermediate chain 1; plus strand). Cytogenetic location: 2p21.
Variant type: single nucleotide variant.
Coding change: c.969G>T on transcript NM_022436.3 (MANE Select); coding-DNA position 969, G replaced by T.
Protein change: p.Gln323His; replaces glutamine 323 with histidine.
Molecular consequence: missense variant. On other transcripts: intron variant (2).
Genome position (GRCh38, 1-based): chr2:43,824,368, C>A on the plus strand (G>T on the coding strand, the complement: ABCG5 is on the minus strand). VCF-style: chr2-43824368-C-A. GRCh37 (hg19) VCF-style: chr2-44051507-C-A.
Other names: c.*16-3018C>A (NM_001348913.2, NM_001348912.2); short protein forms Q323H.
Identifiers: ClinVar variation 3992458 (VCV003992458.3).
Genomic context (GRCh38, chr2:43,824,368, plus strand): 5'-TTCAATATTCTTCAAAGTTTTATGACAAATTGCTGATTTCTTGTAGGCAGATTCTATCAT[C>A]TGGACTCTCTTGGAGGTTTCTATTTCCCGTTCCTTGCTTTGGGTATCCACTGACGTCAGG-3'
Protein context (NP_071881.1, residues 313-333): EREIETSKRV[Gln323His]MIESAYKKSA